The following is an entry in ClinVar:

NM_152564.5(VPS13B):c.8219T>A (p.Leu2740His)

Gene: VPS13B (vacuolar protein sorting 13 homolog B; plus strand). Cytogenetic location: 8q22.2.
Variant type: single nucleotide variant.
Coding change: c.8219T>A on transcript NM_152564.5 (MANE Select); coding-DNA position 8219, T replaced by A.
Protein change: p.Leu2740His; replaces leucine 2740 with histidine.
Molecular consequence: missense variant.
Genome position (GRCh38, 1-based): chr8:99,817,661, T>A. VCF-style: chr8-99817661-T-A. GRCh37 (hg19) VCF-style: chr8-100829889-T-A.
Other names: c.8294T>A, p.Leu2765His (NM_017890.5); short protein forms L2740H, L2765H.
Identifiers: ClinVar variation 3348521 (VCV003348521.1).

ClinVar aggregate classification (germline): Uncertain significance (0 of 4 stars; one submission).

Conditions:
VPS13B-related disorder. Also called: VPS13B-related condition.

gnomAD v4.1: 1 of 1,614,050 alleles (0.000062%); highest among the groups gnomAD compares: Non-Finnish European, 0.000085%; no homozygotes.

Submission:

PreventionGenetics, part of Exact Sciences
Classification: Uncertain significance for VPS13B-related condition. Last evaluated: 2024-01-26. Review status: no assertion criteria provided. Collection method: clinical testing. Allele origin: germline.
Comment: The VPS13B c.8219T>A variant is predicted to result in the amino acid substitution p.Leu2740His. To our knowledge, this variant has not been reported in the literature. This variant is reported in 0.00088% of alleles in individuals of European (Non-Finnish) descent in gnomAD. At this time, the clinical significance of this variant is uncertain due to the absence of conclusive functional and genetic evidence.